The following is an entry in ClinVar:

ClinVar aggregate classification (germline): Pathogenic. Review status: criteria provided, multiple submitters, no conflicts (2 of 4 stars). 5 submissions from 5 submitters: Pathogenic (5). Last evaluated 2024-03-07.

Conditions:
Hereditary cancer-predisposing syndrome. Also called: Tumor predisposition; Hereditary Cancer Syndrome; Hereditary neoplastic syndrome; Neoplastic Syndromes, Hereditary. Identifiers: Orphanet 140162, MedGen C0027672, MeSH D009386, MONDO:0015356.
Familial cancer of breast. Also called: Hereditary breast cancer; hereditary breast carcinoma; BREAST CANCER, FAMILIAL. Identifiers: Orphanet 227535, MedGen C0346153, MONDO:0016419, OMIM 114480. Disease mechanism: loss of function.
Hereditary diffuse gastric adenocarcinoma (HDGC). Also called: DIFFUSE GASTRIC AND LOBULAR BREAST CANCER SYNDROME. Identifiers: Orphanet 26106, MedGen C1708349, MONDO:0007648, OMIM 137215.

Submissions (5):

Ambry Genetics
Classification: Pathogenic for Hereditary cancer-predisposing syndrome. Last evaluated: 2024-03-07. Review status: criteria provided, single submitter. Criteria: Ambry Variant Classification Scheme 2023. Collection method: clinical testing. Allele origin: germline.
Comment: The p.G759* pathogenic mutation (also known as c.2275G>T), located in coding exon 14 of the CDH1 gene, results from a G to T substitution at nucleotide position 2275. This changes the amino acid from a glycine to a stop codon within coding exon 14. This mutation has been detected in an Iranian family containing multiple relatives diagnosed with diffuse gastric cancer (Ghaffari SR et al. Eur J Surg Oncol, 2010 Jun;36:559-62). This variant is considered to be rare based on population cohorts in the Genome Aggregation Database (gnomAD). In addition to the clinical data presented in the literature, this alteration is expected to result in loss of function by premature protein truncation or nonsense-mediated mRNA decay. As such, this alteration is interpreted as a disease-causing mutation.

Myriad Genetics, Inc.
Classification: Pathogenic for Hereditary diffuse gastric adenocarcinoma. Last evaluated: 2023-06-15. Review status: criteria provided, single submitter. Criteria: Myriad Autosomal Dominant, Autosomal Recessive and X-Linked Classification Criteria (2023). Collection method: clinical testing. Allele origin: unknown.
Comment: This variant is considered pathogenic. This variant creates a termination codon and is predicted to result in premature protein truncation.

Baylor Genetics
Classification: Pathogenic for Familial cancer of breast. Last evaluated: 2023-05-08. Review status: criteria provided, single submitter. Criteria: ACMG Guidelines, 2015. Collection method: clinical testing. Allele origin: unknown.

European Reference Network on Genetic Tumour Risk Syndromes (ERN-GENTURIS), i3s - Instituto de Investigação e Inovação em Saúde, University of Porto
Classification: Pathogenic for Hereditary diffuse gastric adenocarcinoma. Last evaluated: 2022-08-01. Review status: criteria provided, single submitter. Criteria: Lee et al. (Hum Mutat. 2018). Collection method: clinical testing. Allele origin: germline. Inheritance: Autosomal dominant inheritance. Affected: no. Study: ERN GENTURIS.
Comment: PVS1; PS4_Supporting; PM2 (PMID: 30311375)

Labcorp Genetics (formerly Invitae), Labcorp
Classification: Pathogenic for Hereditary diffuse gastric adenocarcinoma. Last evaluated: 2022-02-27. Review status: criteria provided, single submitter. Criteria: Invitae Variant Classification Sherloc (09022015). Collection method: clinical testing. Allele origin: germline.
Comment: This variant is not present in population databases (gnomAD no frequency). This sequence change creates a premature translational stop signal (p.Gly759*) in the CDH1 gene. It is expected to result in an absent or disrupted protein product. Loss-of-function variants in CDH1 are known to be pathogenic (PMID: 15235021, 20373070). This premature translational stop signal has been observed in individual(s) with hereditary diffuse gastric cancer syndrome (PMID: 20471195). For these reasons, this variant has been classified as Pathogenic.

Literature cited by the submitters: PubMed 20471195 (cited by Ambry Genetics and Labcorp Genetics (formerly Invitae), Labcorp); PubMed 36436516 (cited by European Reference Network on Genetic Tumour Risk Syndromes (ERN-GENTURIS), i3s - Instituto de Investigação e Inovação em Saúde, University of Porto); PubMed 15235021 (cited by Labcorp Genetics (formerly Invitae), Labcorp); PubMed 20373070 (cited by Labcorp Genetics (formerly Invitae), Labcorp).

NM_004360.5(CDH1):c.2275G>T (p.Gly759Ter)

Gene: CDH1 (cadherin 1; plus strand). Cytogenetic location: 16q22.1.
Variant type: single nucleotide variant.
Coding change: c.2275G>T on transcript NM_004360.5 (MANE Select); coding-DNA position 2275, G replaced by T.
Protein change: p.Gly759Ter; replaces glycine 759 with a stop codon.
Molecular consequence: nonsense.
Genome position (GRCh38, 1-based): chr16:68,828,284, G>T. VCF-style: chr16-68828284-G-T. GRCh37 (hg19) VCF-style: chr16-68862187-G-T.
Other names: c.2092G>T, p.Gly698Ter (NM_001317184.2); c.727G>T, p.Gly243Ter (NM_001317185.2); c.310G>T, p.Gly104Ter (NM_001317186.2); c.2275G>T (NM_004360.4); short protein forms G104*, G698*, G243*, G759*.
Identifiers: ClinVar variation 2137844 (VCV002137844.9), dbSNP rs2152141561, ClinGen allele CA396470032.
Genomic context (GRCh38, chr16:68,828,284, plus strand): 5'-GAGCCCTTACTGCCCCCAGAGGATGACACCCGGGACAACGTTTATTACTATGATGAAGAA[G>T]GAGGCGGAGAAGAGGACCAGGTGGGTTTTGAAAACCTTGGTAGCTCAGTGGTGATCTCTT-3'